The following is an entry in ClinVar:

ClinVar aggregate classification (germline): Pathogenic (1 of 4 stars; one submission).

Conditions:
PURA-related severe neonatal hypotonia-seizures-encephalopathy syndrome (NEDRIHF). Also called: NEURODEVELOPMENTAL DISORDER WITH NEONATAL RESPIRATORY INSUFFICIENCY, HYPOTONIA, AND FEEDING DIFFICULTIES; PURA-Related Neurodevelopmental Disorders. Identifiers: Orphanet 438213, Orphanet 438216, MedGen C4015357, MONDO:1060108, OMIM 616158, MONDO:0018580.

Submission:

Labcorp Genetics (formerly Invitae), Labcorp
Classification: Pathogenic for PURA-related severe neonatal hypotonia-seizures-encephalopathy syndrome. Last evaluated: 2023-07-07. Review status: criteria provided, single submitter. Criteria: Invitae Variant Classification Sherloc (09022015). Collection method: clinical testing. Allele origin: germline.
Comment: ClinVar contains an entry for this variant (Variation ID: 649228). This sequence change creates a premature translational stop signal (p.Gly40Alafs*38) in the PURA gene. While this is not anticipated to result in nonsense mediated decay, it is expected to disrupt the last 283 amino acid(s) of the PURA protein. This variant is not present in population databases (gnomAD no frequency). This variant has not been reported in the literature in individuals affected with PURA-related conditions. Experimental studies and prediction algorithms are not available or were not evaluated, and the functional significance of this variant is currently unknown. This variant disrupts a region of the PURA protein in which other variant(s) (p.Ser103Hisfs*97) have been determined to be pathogenic (PMID: 25439098, 28600779). This suggests that this is a clinically significant region of the protein, and that variants that disrupt it are likely to be disease-causing. For these reasons, this variant has been classified as Pathogenic.

Literature cited by the submitters: PubMed 25439098; PubMed 28600779.

NM_005859.5(PURA):c.119del (p.Gly40fs)

Gene: PURA (purine rich element binding protein A; plus strand). Cytogenetic location: 5q31.3.
Variant type: Deletion.
Coding change: c.119del on transcript NM_005859.5 (MANE Select); coding-DNA position 119, one base deleted (G; older notation c.119delG).
Protein change: p.Gly40fs; shifts the reading frame from glycine 40.
Molecular consequence: frameshift variant.
Genome position (GRCh38, 1-based): chr5:140,114,300, G deleted; the last of 2 consecutive G bases (chr5:140,114,299-140,114,300); deleting either gives the same sequence. VCF-style (leftmost placement, unchanged base first): chr5-140114298-CG-C. GRCh37 (hg19) VCF-style: chr5-139493883-CG-C.
Other names: short protein forms G40fs.
Identifiers: ClinVar variation 649228 (VCV000649228.9), dbSNP rs1581036115, ClinGen allele CA915942633.
Genomic context (GRCh38, chr5:140,114,298, plus strand): 5'-CTCCCTGGGGCACCCCGGCTCGGGCTCAGGCTCCGGCGGGGGCGGTGGTGGCGGCGGGGG[CG>C]GCGGCGGCAGTGGCGGCGGCGGCGGCGGGGCCCCAGGGGGGCTGCAGCACGAGACGCAGG-3'